The following is an entry in ClinVar:

ClinVar aggregate classification (germline): Uncertain significance (1 of 4 stars; one submission).

Conditions:
Primary ciliary dyskinesia. Also called: Ciliary dyskinesia. Identifiers: Orphanet 244, MedGen C0008780, MONDO:0016575, HP:0012265.

Allele frequency attached by ClinVar (database versions not stated): gnomAD exomes 0.00001 and 0.00002; ExAC 0.00004.
gnomAD v4.1: 10 of 1,614,062 alleles (0.00062%); highest among the groups gnomAD compares: Non-Finnish European, 0.00059%; no homozygotes.

Submission:

Labcorp Genetics (formerly Invitae), Labcorp
Classification: Uncertain significance for Primary ciliary dyskinesia. Last evaluated: 2021-12-31. Review status: criteria provided, single submitter. Criteria: Invitae Variant Classification Sherloc (09022015). Collection method: clinical testing. Allele origin: germline.
Comment: This variant has not been reported in the literature in individuals affected with RSPH9-related conditions. This variant is present in population databases (rs753489926, gnomAD 0.004%). ClinVar contains an entry for this variant (Variation ID: 410988). Algorithms developed to predict the effect of missense changes on protein structure and function are either unavailable or do not agree on the potential impact of this missense change (SIFT: "Deleterious"; PolyPhen-2: "Possibly Damaging"; Align-GVGD: "Class C0"). In summary, the available evidence is currently insufficient to determine the role of this variant in disease. Therefore, it has been classified as a Variant of Uncertain Significance. This sequence change replaces isoleucine, which is neutral and non-polar, with threonine, which is neutral and polar, at codon 228 of the RSPH9 protein (p.Ile228Thr).

NM_152732.5(RSPH9):c.683T>C (p.Ile228Thr)

Gene: RSPH9 (radial spoke head component 9; plus strand). Cytogenetic location: 6p21.1.
Variant type: single nucleotide variant.
Coding change: c.683T>C on transcript NM_152732.5 (MANE Select); coding-DNA position 683, T replaced by C.
Protein change: p.Ile228Thr; replaces isoleucine 228 with threonine.
Molecular consequence: missense variant. On other transcripts: synonymous variant (2), non-coding transcript variant (2).
Genome position (GRCh38, 1-based): chr6:43,670,801, T>C. VCF-style: chr6-43670801-T-C. GRCh37 (hg19) VCF-style: chr6-43638538-T-C.
Other names: c.735T>C, p.His245= (NM_001193341.2); c.780T>C, p.His260= (NM_001424119.1); c.638T>C, p.Ile213Thr (NM_001424120.1); short protein forms I228T, I213T.
Identifiers: ClinVar variation 410988 (VCV000410988.10), dbSNP rs753489926, ClinGen allele CA3828390.